The following is an entry in ClinVar:

NM_016932.5(SIX2):c.482C>G (p.Thr161Arg)

Gene: SIX2 (SIX homeobox 2; minus strand). Cytogenetic location: 2p21.
Variant type: single nucleotide variant.
Coding change: c.482C>G on transcript NM_016932.5 (MANE Select); coding-DNA position 482, C replaced by G.
Protein change: p.Thr161Arg; replaces threonine 161 with arginine.
Molecular consequence: missense variant.
Genome position (GRCh38, 1-based): chr2:45,008,629, G>C on the plus strand (C>G on the coding strand, the complement: SIX2 is on the minus strand). VCF-style: chr2-45008629-G-C. GRCh37 (hg19) VCF-style: chr2-45235768-G-C.
Other names: short protein forms T161R.
Identifiers: ClinVar variation 2695637 (VCV002695637.3), dbSNP rs1365366403, ClinGen allele CA346801644.

ClinVar aggregate classification (germline): Uncertain significance (1 of 4 stars; one submission).

Submission:

Labcorp Genetics (formerly Invitae), Labcorp
Classification: Uncertain significance. Last evaluated: 2023-11-13. Review status: criteria provided, single submitter. Criteria: Invitae Variant Classification Sherloc (09022015). Collection method: clinical testing. Allele origin: germline.
Comment: This sequence change replaces threonine, which is neutral and polar, with arginine, which is basic and polar, at codon 161 of the SIX2 protein (p.Thr161Arg). This variant is not present in population databases (gnomAD no frequency). This variant has not been reported in the literature in individuals affected with SIX2-related conditions. Advanced modeling of protein sequence and biophysical properties (such as structural, functional, and spatial information, amino acid conservation, physicochemical variation, residue mobility, and thermodynamic stability) performed at Invitae indicates that this missense variant is expected to disrupt SIX2 protein function with a positive predictive value of 80%. In summary, the available evidence is currently insufficient to determine the role of this variant in disease. Therefore, it has been classified as a Variant of Uncertain Significance.